The following is an entry in ClinVar:

ClinVar aggregate classification (germline): Uncertain significance (1 of 4 stars; one submission).

gnomAD v4.1: 9 of 1,613,544 alleles (0.00056%); highest among the groups gnomAD compares: Non-Finnish European, 0.000085%; no homozygotes.

Submission:

Labcorp Genetics (formerly Invitae), Labcorp
Classification: Uncertain significance. Last evaluated: 2024-07-27. Review status: criteria provided, single submitter. Criteria: Invitae Variant Classification Sherloc (09022015). Collection method: clinical testing. Allele origin: germline.
Comment: This sequence change replaces isoleucine, which is neutral and non-polar, with leucine, which is neutral and non-polar, at codon 699 of the NCSTN protein (p.Ile699Leu). This variant is present in population databases (no rsID available, gnomAD 0.01%). This variant has not been reported in the literature in individuals affected with NCSTN-related conditions. An algorithm developed to predict the effect of missense changes on protein structure and function (PolyPhen-2) suggests that this variant is likely to be tolerated. In summary, the available evidence is currently insufficient to determine the role of this variant in disease. Therefore, it has been classified as a Variant of Uncertain Significance.

NM_015331.3(NCSTN):c.2095A>C (p.Ile699Leu)

Gene: NCSTN (nicastrin; plus strand). Cytogenetic location: 1q23.2.
Variant type: single nucleotide variant.
Coding change: c.2095A>C on transcript NM_015331.3 (MANE Select); coding-DNA position 2095, A replaced by C.
Protein change: p.Ile699Leu; replaces isoleucine 699 with leucine.
Molecular consequence: missense variant.
Genome position (GRCh38, 1-based): chr1:160,358,236, A>C. VCF-style: chr1-160358236-A-C. GRCh37 (hg19) VCF-style: chr1-160328026-A-C.
Other names: c.2035A>C, p.Ile679Leu (NM_001290184.2); c.1681A>C, p.Ile561Leu (NM_001290186.2); c.1882A>C, p.Ile628Leu (NM_001349729.2); short protein forms I561L, I628L, I679L, I699L.
Identifiers: ClinVar variation 3610703 (VCV003610703.2).